The following is an entry in ClinVar:

ClinVar aggregate classification (germline): Uncertain significance (1 of 4 stars; one submission).

Submission:

CeGaT Center for Human Genetics Tuebingen
Classification: Uncertain significance. Last evaluated: 2026-04-01. Review status: criteria provided, single submitter. Criteria: CeGaT Center For Human Genetics Tuebingen Variant Classification Criteria Version 2. Collection method: clinical testing. Allele origin: germline. Affected: yes. Observed: 1 variant allele.
Comment: MAP4K4: PM2, PVS1:Moderate

NM_001395002.1(MAP4K4):c.1184_1185del (p.Arg395fs)

Gene: MAP4K4 (mitogen-activated protein kinase kinase kinase kinase 4; plus strand). Cytogenetic location: 2q11.2.
Variant type: Microsatellite.
Coding change: c.1184_1185del on transcript NM_001395002.1 (MANE Select); coding-DNA positions 1184 to 1185, 2 bases deleted (GA; older notation c.1184_1185delGA).
Protein change: p.Arg395fs; shifts the reading frame from arginine 395.
Molecular consequence: frameshift variant. On other transcripts: non-coding transcript variant (4).
Genome position (GRCh38, 1-based): chr2:101,844,262-101,844,263, GA deleted; deleting any 2 consecutive bases within chr2:101,844,257-101,844,263 gives the same sequence; the c. name uses the placement nearest the transcript's 3' end. VCF-style (leftmost placement, unchanged base first): chr2-101844256-CAG-C. GRCh37 (hg19) VCF-style: chr2-102460718-CAG-C.
Other names: c.1184_1185del, p.Arg395fs (NM_001242559.2, NM_001242560.2, NM_001384476.1 and 28 more transcripts); c.1157_1158del, p.Arg386fs (NM_001384549.1, NM_001384550.1, NM_001384551.1 and 16 more transcripts); short protein forms R386fs, R395fs.
Identifiers: ClinVar variation 4874376 (VCV004874376.2).